The following is an entry in ClinVar:

NM_025179.4(PLXNA2):c.1670G>T (p.Ser557Ile)

Gene: PLXNA2 (plexin A2; minus strand). Cytogenetic location: 1q32.2.
Variant type: single nucleotide variant.
Coding change: c.1670G>T on transcript NM_025179.4 (MANE Select); coding-DNA position 1670, G replaced by T.
Protein change: p.Ser557Ile; replaces serine 557 with isoleucine.
Molecular consequence: missense variant.
Genome position (GRCh38, 1-based): chr1:208,098,907, C>A on the plus strand (G>T on the coding strand, the complement: PLXNA2 is on the minus strand). VCF-style: chr1-208098907-C-A. GRCh37 (hg19) VCF-style: chr1-208272252-C-A.
Other names: short protein forms S557I.
Identifiers: ClinVar variation 1373351 (VCV001373351.6), dbSNP rs1201038023, ClinGen allele CA344557309.

ClinVar aggregate classification (germline): Uncertain significance (1 of 4 stars; one submission).

gnomAD v4.1: 2 of 1,613,968 alleles (0.00012%); highest among the groups gnomAD compares: Admixed American, 0.0017%; no homozygotes.

Submission:

Labcorp Genetics (formerly Invitae), Labcorp
Classification: Uncertain significance. Last evaluated: 2021-08-07. Review status: criteria provided, single submitter. Criteria: Invitae Variant Classification Sherloc (09022015). Collection method: clinical testing. Allele origin: germline.
Comment: In summary, the available evidence is currently insufficient to determine the role of this variant in disease. Therefore, it has been classified as a Variant of Uncertain Significance. Algorithms developed to predict the effect of missense changes on protein structure and function are either unavailable or do not agree on the potential impact of this missense change (SIFT: "Deleterious"; PolyPhen-2: "Benign"; Align-GVGD: "Class C0"). This variant has not been reported in the literature in individuals affected with PLXNA2-related conditions. This variant is not present in population databases (ExAC no frequency). This sequence change replaces serine with isoleucine at codon 557 of the PLXNA2 protein (p.Ser557Ile). The serine residue is moderately conserved and there is a large physicochemical difference between serine and isoleucine.